The following is an entry in ClinVar:

ClinVar aggregate classification (germline): Uncertain significance. Review status: criteria provided, multiple submitters, no conflicts (2 of 4 stars). 2 submissions from 2 submitters: Uncertain significance (2). Last evaluated 2024-03-06.

Conditions:
Arrhythmogenic cardiomyopathy with wooly hair and keratoderma. Also called: PALMOPLANTAR KERATODERMA WITH LEFT VENTRICULAR CARDIOMYOPATHY AND WOOLLY HAIR; Carvajal syndrome; Dilated cardiomyopathy with woolly hair and keratoderma; Arrhythmogenic cardiomyopathy with woolly hair and keratoderma. Identifiers: Orphanet 65282, MedGen C1854063, MONDO:0011581, OMIM 605676.
Cardiomyopathy (CMYO). Also called: Cardiomyopathies. Identifiers: Orphanet 167848, MedGen C0878544, MONDO:0004994, HP:0001638. Inheritance: Various modes of inheritance.

gnomAD v4.1: 2 of 1,614,090 alleles (0.00012%); highest among the groups gnomAD compares: South Asian, 0.0011%; no homozygotes.

Submissions (2):

Color Diagnostics, LLC DBA Color Health
Classification: Uncertain significance for Cardiomyopathy. Last evaluated: 2024-03-06. Review status: criteria provided, single submitter. Criteria: ACMG Guidelines, 2015. Collection method: clinical testing. Allele origin: germline.
Comment: This missense variant replaces valine with leucine at codon 712 of the DSP protein. Computational prediction suggests that this variant may not impact protein structure and function (internally defined REVEL score threshold <= 0.5, PMID: 27666373). To our knowledge, functional studies have not been reported for this variant. This variant has not been reported in individuals affected with cardiovascular disorders in the literature. This variant has been identified in 1/251274 chromosomes in the general population by the Genome Aggregation Database (gnomAD). The available evidence is insufficient to determine the role of this variant in disease conclusively. Therefore, this variant is classified as a Variant of Uncertain Significance.

All of Us Research Program, National Institutes of Health
Classification: Uncertain significance for Arrhythmogenic cardiomyopathy with wooly hair and keratoderma. Last evaluated: 2023-12-18. Review status: criteria provided, single submitter. Criteria: ACMG Guidelines, 2015. Collection method: clinical testing. Allele origin: germline. Inheritance: Autosomal dominant inheritance. Observed: 1 variant allele, 1 heterozygote.
Comment: This missense variant replaces valine with leucine at codon 712 of the DSP protein. Computational prediction suggests that this variant may not impact protein structure and function (internally defined REVEL score threshold <= 0.5, PMID: 27666373). To our knowledge, functional studies have not been reported for this variant. This variant has not been reported in individuals affected with cardiovascular disorders in the literature. This variant has been identified in 1/251274 chromosomes in the general population by the Genome Aggregation Database (gnomAD). The available evidence is insufficient to determine the role of this variant in disease conclusively. Therefore, this variant is classified as a Variant of Uncertain Significance.

This study involves interpretation of variants in research participants for the purpose of population health screening. Participant phenotype was not available at the time of variant classification. Additional details can be found in publication PMID: 35346344, PMCID: PMC8962531

NM_004415.4(DSP):c.2134G>T (p.Val712Leu)

Gene: DSP (desmoplakin; plus strand). Cytogenetic location: 6p24.3.
Variant type: single nucleotide variant.
Coding change: c.2134G>T on transcript NM_004415.4 (MANE Select); coding-DNA position 2134, G replaced by T.
Protein change: p.Val712Leu; replaces valine 712 with leucine.
Molecular consequence: missense variant.
Genome position (GRCh38, 1-based): chr6:7,574,089, G>T. VCF-style: chr6-7574089-G-T. GRCh37 (hg19) VCF-style: chr6-7574322-G-T.
Other names: c.2134G>T, p.Val712Leu (NM_001008844.3, NM_001319034.2); short protein forms V712L.
Identifiers: ClinVar variation 922113 (VCV000922113.6), dbSNP rs397516922, ClinGen allele CA362680641.
Genomic context (GRCh38, chr6:7,574,089, plus strand): 5'-TATACAGTAATAAAAAGAATCAGCTAAATCAAAAGAGCTTTCCTTCATTTTTGACAGAGT[G>T]TGCAGAATGATTCACAAGCAATTGCTGAGGTTCTCAACCAGCTTAAAGATATGCTTGCCA-3'
Protein context (NP_004406.2, residues 702-722): ITVKINELKS[Val712Leu]QNDSQAIAEV